The following is an entry in ClinVar:

NM_170606.3(KMT2C):c.2963G>T (p.Cys988Phe)

Gene: KMT2C (lysine methyltransferase 2C; minus strand). Cytogenetic location: 7q36.1.
Variant type: single nucleotide variant.
Coding change: c.2963G>T on transcript NM_170606.3 (MANE Select); coding-DNA position 2963, G replaced by T.
Protein change: p.Cys988Phe; replaces cysteine 988 with phenylalanine.
Molecular consequence: missense variant.
Genome position (GRCh38, 1-based): chr7:152,229,936, C>A on the plus strand (G>T on the coding strand, the complement: KMT2C is on the minus strand). VCF-style: chr7-152229936-C-A. GRCh37 (hg19) VCF-style: chr7-151927021-C-A.
Other names: short protein forms C988F.
Identifiers: ClinVar variation 403019 (VCV000403019.7), dbSNP rs28522267, ClinGen allele CA4580951.

ClinVar aggregate classification (germline): Benign/Likely benign. Review status: criteria provided, multiple submitters, no conflicts (2 of 4 stars). 3 submissions from 3 submitters: Benign (2); Likely benign (1). Last evaluated 2024-11-27.

Allele frequency attached by ClinVar (database versions not stated): 1000 Genomes Project 30x 0.15490.

Submissions (5):

Blueprint Genetics
Classification: Likely benign. Last evaluated: 2024-11-27. Review status: criteria provided, single submitter. Criteria: ACMG Guidelines, 2015. Collection method: clinical testing. Allele origin: germline.

Laboratory for Molecular Medicine, Mass General Brigham Personalized Medicine
Classification: Benign. Last evaluated: 2016-03-29. Review status: criteria provided, single submitter. Criteria: LMM Criteria. Collection method: clinical testing. Allele origin: germline.
Comment: Variant identified in a genome or exome case(s) and assessed due to predicted null impact of the variant or pathogenic assertions in the literature or databases. Disclaimer: This variant has not undergone full assessment. The following are preliminary notes: Frequency

Breakthrough Genomics
Classification: Benign. Review status: criteria provided, single submitter. Criteria: ACMG Guidelines, 2015. Collection method: not provided. Allele origin: germline. Inheritance: Autosomal dominant inheritance. Affected: yes.

Dr. Peter K. Rogan Lab, Western University
No classification provided (evidence only). Condition: Hepatocellular carcinoma. Review status: no classification provided. Collection method: in vitro. Allele origin: not applicable. Functional consequence: retained intron. Not counted in ClinVar's aggregate classification.

Dr. Peter K. Rogan Lab, Western University
No classification provided (evidence only). Condition: Hepatocellular carcinoma. Review status: no classification provided. Collection method: in vitro. Allele origin: not applicable. Functional consequence: retained intron. Not counted in ClinVar's aggregate classification.